The following is an entry in ClinVar:

ClinVar aggregate classification (germline): Pathogenic. Review status: criteria provided, multiple submitters, no conflicts (2 of 4 stars). 2 submissions from 2 submitters: Pathogenic (2). Last evaluated 2022-05-16.

Conditions:
Idiopathic basal ganglia calcification 1 (PFBC1A). Also called: Familial Idiopathic Basal Ganglia Calcification 2; PRIMARY FAMILIAL BRAIN CALCIFICATION 1A, AUTOSOMAL DOMINANT; Fahr's syndrome; Cerebral calcification nonarteriosclerotic idiopathic adult-onset; Striopallidodentate calcinosis autosomal dominant adult-onset; Ferrocalcinosis, cerebrovascular. Identifiers: Orphanet 1980, MedGen C4551624, MONDO:0024538, OMIM 213600.

Submissions (2):

GeneDx
Classification: Pathogenic. Last evaluated: 2022-05-16. Review status: criteria provided, single submitter. Criteria: GeneDx Variant Classification Process June 2021. Collection method: clinical testing. Allele origin: germline. Affected: yes.
Comment: Nonsense variant predicted to result in protein truncation or nonsense mediated decay in a gene for which loss-of-function is a known mechanism of disease; Not observed at significant frequency in large population cohorts (gnomAD); Has not been previously published as pathogenic or benign to our knowledge

Undiagnosed Diseases Network, NIH
Classification: Pathogenic for Idiopathic basal ganglia calcification 1. Last evaluated: 2016-07-15. Review status: criteria provided, single submitter. Criteria: ACMG Guidelines, 2015. Collection method: clinical testing. Allele origin: unknown. Inheritance: Autosomal dominant inheritance. Affected: yes. Observed: 1 variant allele, 1 heterozygote. Study: Undiagnosed Diseases Network (NIH), UDN.

NM_001257180.2(SLC20A2):c.136C>T (p.Gln46Ter)

Gene: SLC20A2 (solute carrier family 20 member 2; minus strand). Cytogenetic location: 8p11.21.
Variant type: single nucleotide variant.
Coding change: c.136C>T on transcript NM_001257180.2 (MANE Select); coding-DNA position 136, C replaced by T.
Protein change: p.Gln46Ter; replaces glutamine 46 with a stop codon.
Molecular consequence: nonsense.
Genome position (GRCh38, 1-based): chr8:42,472,255, G>A on the plus strand (C>T on the coding strand, the complement: SLC20A2 is on the minus strand). VCF-style: chr8-42472255-G-A. GRCh37 (hg19) VCF-style: chr8-42329773-G-A.
Other names: c.136C>T, p.Gln46Ter (NM_001257181.2, NM_006749.5); short protein forms Q46*.
Identifiers: ClinVar variation 522849 (VCV000522849.5), dbSNP rs751093906, ClinGen allele CA371089999.
Genomic context (GRCh38, chr8:42,472,255, plus strand): 5'-CTTTGGCGCCTAGTAACACGGAGCCGGTGGTTTCAAATATTGAAGCTAAAATGCATGCCT[G>A]CCTCAAGGTCACCACACCAGAGCCCACGGCTGTACCAAAGGAGTTGGCAACATCGTTTGC-3'